The following is an entry in ClinVar:

ClinVar aggregate classification (germline): Benign/Likely benign. Review status: criteria provided, multiple submitters, no conflicts (2 of 4 stars). 14 submissions from 14 submitters: Benign (4); Likely benign (5). 5 of the submissions do not count toward it. Last evaluated 2026-01-28.

Conditions:
PCDH15-related disorder. Also called: PCDH15-related disorders; PCDH15-related condition.
Autosomal recessive nonsyndromic hearing loss 23. Identifiers: Orphanet 90636, MedGen C1836027, MONDO:0012293, OMIM 609533.
Usher syndrome type 1D (USH1D). Also called: USHER SYNDROME, TYPE ID. Identifiers: Orphanet 231169, Orphanet 886, MedGen C1832845, MONDO:0010984, OMIM 601067.
Usher syndrome type 1F (USH1F). Also called: USHER SYNDROME, TYPE IF. Identifiers: Orphanet 231169, Orphanet 886, MedGen C1865885, MONDO:0011186, OMIM 602083.
Usher syndrome type 1 (USH1). Also called: RETINITIS PIGMENTOSA AND CONGENITAL DEAFNESS. Identifiers: Orphanet 231169, Orphanet 886, MedGen C1568247, MONDO:0010168, OMIM 276900.

Allele frequency attached by ClinVar (database versions not stated): 1000 Genomes Project 30x 0.00031; gnomAD 0.00068 and 0.00056; gnomAD exomes 0.00138 and 0.00097; ExAC 0.00200; 1000 Genomes Project 0.00040; TOPMed 0.00057; ESP Exome Variant Server 0.00038.
gnomAD v4.1: 1,512 of 1,597,250 alleles (0.095%); highest among the groups gnomAD compares: South Asian, 0.69%; 15 homozygotes.

Submissions (15):

Labcorp Genetics (formerly Invitae), Labcorp
Classification: Benign. Last evaluated: 2026-01-28. Review status: criteria provided, single submitter. Criteria: Invitae Variant Classification Sherloc (09022015). Collection method: clinical testing. Allele origin: germline.

Blueprint Genetics
Classification: Likely benign. Last evaluated: 2024-11-25. Review status: criteria provided, single submitter. Criteria: ACMG Guidelines, 2015. Collection method: clinical testing. Allele origin: germline.

Fulgent Genetics
Classification: Benign for Usher syndrome type 1D; Usher syndrome type 1F; Autosomal recessive nonsyndromic hearing loss 23. Last evaluated: 2022-05-18. Review status: criteria provided, single submitter. Criteria: ACMG Guidelines, 2015. Collection method: clinical testing. Allele origin: unknown.

GeneDx
Classification: Benign. Last evaluated: 2020-05-15. Review status: criteria provided, single submitter. Criteria: GeneDx Variant Classification Process June 2021. Collection method: clinical testing. Allele origin: germline. Affected: yes.
Comment: This variant is associated with the following publications: (PMID: 27984600, 22135276)

CeGaT Center for Human Genetics Tuebingen
Classification: Likely benign. Last evaluated: 2019-12-01. Review status: criteria provided, single submitter. Criteria: CeGaT Center For Human Genetics Tuebingen Variant Classification Criteria Version 2. Collection method: clinical testing. Allele origin: germline. Affected: yes. Observed: 1 variant allele.

Illumina Laboratory Services, Illumina
Classification: Likely benign for Usher syndrome type 1. Last evaluated: 2017-04-27. Review status: criteria provided, single submitter. Criteria: ICSL Variant Classification Criteria 13 December 2019. Collection method: clinical testing. Allele origin: germline.
Comment: This variant was observed as part of a predisposition screen in an ostensibly healthy population. A literature search was performed for the gene, cDNA change, and amino acid change (where applicable). Publications were found based on this search. The evidence from the literature, in combination with allele frequency data from public databases where available, was sufficient to determine this variant is unlikely to cause disease. Therefore, this variant is classified as likely benign.

Genomic Diagnostic Laboratory, Division of Genomic Diagnostics, Children's Hospital of Philadelphia
Classification: Likely benign. Last evaluated: 2015-10-30. Review status: criteria provided, single submitter. Criteria: DGD Variant Analysis Guidelines. Collection method: clinical testing. Allele origin: unknown.

Laboratory for Molecular Medicine, Mass General Brigham Personalized Medicine
Classification: Benign. Last evaluated: 2015-06-03. Review status: criteria provided, single submitter. Criteria: LMM Criteria. Collection method: clinical testing. Allele origin: germline. Observed: 6 variant alleles.
Comment: Val1800Ile in exon 33 of PCDH15: This variant is not expected to have clinical s ignificance because it has been identified in 0.7% (94/13018) of South Asian chr omosomes, including 1 homozygote, by the Exome Aggregation Consortium (ExAC; dbSNP rs111033463). In addition, the valine (Val) residue at position 1800 is not conserved in several species, with chimpanzee an d macaque having an isoleucine (Ile) at this position.

Breakthrough Genomics
Classification: Likely benign. Review status: criteria provided, single submitter. Criteria: ACMG Guidelines, 2015. Collection method: not provided. Allele origin: germline. Inheritance: Autosomal recessive inheritance. Affected: yes.

Natera, Inc.
Classification: Benign for Usher syndrome type 1F. Last evaluated: 2020-04-13. Review status: no assertion criteria provided. Collection method: clinical testing. Allele origin: germline. Not counted in ClinVar's aggregate classification.

PreventionGenetics, part of Exact Sciences
Classification: Likely benign for PCDH15-related condition. Last evaluated: 2019-07-22. Review status: no assertion criteria provided. Collection method: clinical testing. Allele origin: germline. Not counted in ClinVar's aggregate classification.
Comment: This variant is classified as likely benign based on ACMG/AMP sequence variant interpretation guidelines (Richards et al. 2015 PMID: 25741868, with internal and published modifications).

Counsyl
Classification: Likely benign for Usher syndrome, type 1F. Last evaluated: 2014-04-21. Review status: no assertion criteria provided. Collection method: literature only. Allele origin: unknown. Inheritance: Autosomal recessive inheritance. Not counted in ClinVar's aggregate classification.

Clinical Genetics DNA and cytogenetics Diagnostics Lab, Erasmus MC, Erasmus Medical Center
Classification: Likely benign. Review status: no assertion criteria provided. Collection method: clinical testing. Allele origin: germline. Affected: yes. Study: VKGL Data-share Consensus. Not counted in ClinVar's aggregate classification.

Clinical Genetics, Academic Medical Center
Classification: Likely benign. Review status: no assertion criteria provided. Collection method: clinical testing. Allele origin: germline. Affected: yes. Study: VKGL Data-share Consensus. Not counted in ClinVar's aggregate classification.

Dr. Peter K. Rogan Lab, Western University
No classification provided (evidence only). Condition: Familial cancer of breast. Review status: no classification provided. Collection method: in vitro. Allele origin: not applicable. Functional consequence: retained intron. Not counted in ClinVar's aggregate classification.

Literature cited by the submitters: PubMed 22135276 (cited by Illumina Laboratory Services, Illumina and Counsyl).

NM_033056.4(PCDH15):c.5398G>A (p.Val1800Ile)

Gene: PCDH15 (protocadherin related 15; minus strand). Cytogenetic location: 10q21.1.
Variant type: single nucleotide variant.
Coding change: c.5398G>A on transcript NM_033056.4 (MANE Plus Clinical); coding-DNA position 5398, G replaced by A.
Protein change: p.Val1800Ile; replaces valine 1800 with isoleucine.
Molecular consequence: missense variant. On other transcripts: intron variant (8).
Genome position (GRCh38, 1-based): chr10:53,822,328, C>T on the plus strand (G>A on the coding strand, the complement: PCDH15 is on the minus strand). VCF-style: chr10-53822328-C-T. GRCh37 (hg19) VCF-style: chr10-55582088-C-T.
Other names: c.5419G>A, p.Val1807Ile (NM_001142763.2); c.5404G>A, p.Val1802Ile (NM_001142764.2); c.5191G>A, p.Val1731Ile (NM_001142765.2); c.5389G>A, p.Val1797Ile (NM_001142766.2); c.5278G>A, p.Val1760Ile (NM_001142767.2); c.5338G>A, p.Val1780Ile (NM_001142768.2); c.5329G>A, p.Val1777Ile (NM_001142773.2); c.5332G>A, p.Val1778Ile (NM_001354404.2); and 7 more; short protein forms V1800I, V1807I, V1731I, V1777I, V1797I, V1778I, V1780I, V1760I.
Identifiers: ClinVar variation 46499 (VCV000046499.67), dbSNP rs111033463, ClinGen allele CA138471.